The following is an entry in ClinVar:

NM_032427.4(MAML2):c.1839ACAGCA[1] (p.Gln616_Gln621del)

Gene: MAML2 (mastermind like transcriptional coactivator 2; minus strand). Cytogenetic location: 11q21.
Variant type: Microsatellite.
Coding change: c.1839ACAGCA[1] on transcript NM_032427.4 (MANE Select); one copy of the 6-base unit ACAGCA starting at c.1839; the reference has four copies in a row; three copies, 18 bases deleted.
Protein change: p.Gln616_Gln621del.
Molecular consequence: inframe deletion.
Genome position (GRCh38, 1-based): chr11:96,092,169-96,092,186, TGCTGTTGCTGTTGCTGT deleted on the plus strand (ACAGCAACAGCAACAGCA on the coding strand, the reverse complement: MAML2 is on the minus strand); deleting any 18 consecutive bases within chr11:96,092,169-96,092,197 gives the same sequence; the position shown is the placement nearest the transcript's 3' end. VCF-style (leftmost placement, unchanged base first): chr11-96092168-CTGCTGTTGCTGTTGCTGT-C. GRCh37 (hg19) VCF-style: chr11-95825332-CTGCTGTTGCTGTTGCTGT-C.
Identifiers: ClinVar variation 1049936 (VCV001049936.1), dbSNP rs749502756, ClinGen allele CA601194299.
Genomic context (GRCh38, chr11:96,092,168, plus strand): 5'-CTGCTGTTGGGCTGAAATTGAGCTCTGCTGCTGTTGCTGTTGTTGAGCTGAAATTGAACT[CTGCTGTTGCTGTTGCTGT>C]TGCTGTTGCTGCTGCTGCTGCTGTTGCTGCTGCTGCTGCTGCTGCTGCTGCTGCTGCTGC-3'

ClinVar aggregate classification (germline): Uncertain significance (0 of 4 stars; one submission).

Submission:

Department of Pathology and Laboratory Medicine, Sinai Health System
Classification: Uncertain significance. Review status: no assertion criteria provided. Collection method: clinical testing. Allele origin: unknown. Affected: yes. Study: The Canadian Open Genetics Repository (COGR).
Comment: The MAML2 p.Gln616_Gln621del variant was not identified in the literature nor was it identified in dbSNP, ClinVar, Cosmic, LOVD 3.0. The variant was identified in control databases in 2 of 156710 chromosomes at a frequency of 0.000013 (Genome Aggregation Database Feb 27, 2017). The variant was observed in the following populations: Latino in 1 of 24642 chromosomes (freq: 0.000041) and European (non-Finnish) in 1 of 60176 chromosomes (freq: 0.000017), while the variant was not observed in the African, Ashkenazi Jewish, East Asian, European (Finnish), Other, and South Asian populations. This variant is an in-frame deletion resulting in the removal of a glutamine (gln) residue from codons 616 to 621; the impact of this alteration on MAML2 protein function is not known. In summary, based on the above information the clinical significance of this variant cannot be determined with certainty at this time. This variant is classified as a variant of uncertain significance.